The following is an entry in ClinVar:

ClinVar aggregate classification (germline): Uncertain significance. Review status: criteria provided, multiple submitters, no conflicts (2 of 4 stars). 2 submissions from 2 submitters: Uncertain significance (2). Last evaluated 2023-10-05.

Conditions:
Imerslund-Grasbeck syndrome type 2. Also called: Megaloblastic anemia 1, Norwegian type; MEGALOBLASTIC ANEMIA, NORWEGIAN TYPE; Imerslund-Gräsbeck syndrome 2. Identifiers: MedGen C4016948, MONDO:0100157, OMIM 618882.
Imerslund-Grasbeck syndrome. Also called: Imerslund-Gräsbeck syndrome; ENTEROCYTE COBALAMIN MALABSORPTION; ENTEROCYTE INTRINSIC FACTOR RECEPTOR, DEFECT OF; PERNICIOUS ANEMIA, JUVENILE, DUE TO SELECTIVE INTESTINAL MALABSORPTION OF VITAMIN B12, WITH PROTEINURIA; Megaloblastic anemia due to inborn errors of metabolism. Identifiers: Orphanet 35858, MedGen C4551825, MONDO:0009853.

Submissions (2):

ARUP Laboratories, Molecular Genetics and Genomics, ARUP Laboratories
Classification: Uncertain significance for Imerslund-Grasbeck syndrome type 2. Last evaluated: 2023-10-05. Review status: criteria provided, single submitter. Criteria: ARUP Molecular Germline Variant Investigation Process 2024. Collection method: clinical testing. Allele origin: germline.
Comment: The AMN c.44-7_44-5del variant (rs774101952), to our knowledge, is not reported in the medical literature but is reported in ClinVar (Variation ID: 1471222). This variant is observed in the general population with an overall allele frequency of 0.004% (11/280526 alleles) in the Genome Aggregation Database. Computational analyses (Alamut Visual Plus v.1.5.1) predict that this variant may impact splicing by weakening the nearby canonical acceptor splice site. Due to the lack of clinical and functional data, the significance of this variant is uncertain at this time.

Labcorp Genetics (formerly Invitae), Labcorp
Classification: Uncertain significance for Imerslund-Grasbeck syndrome. Last evaluated: 2021-07-06. Review status: criteria provided, single submitter. Criteria: Invitae Variant Classification Sherloc (09022015). Collection method: clinical testing. Allele origin: germline.
Comment: This sequence change falls in intron 1 of the AMN gene. It does not directly change the encoded amino acid sequence of the AMN protein. This variant is present in population databases (rs774101952, ExAC 0.008%). This variant has not been reported in the literature in individuals affected with AMN-related conditions. Algorithms developed to predict the effect of sequence changes on RNA splicing suggest that this variant may disrupt the consensus splice site. In summary, the available evidence is currently insufficient to determine the role of this variant in disease. Therefore, it has been classified as a Variant of Uncertain Significance.

NM_030943.4(AMN):c.44-7_44-5del

Gene: AMN (amnion associated transmembrane protein; plus strand). Cytogenetic location: 14q32.32.
Variant type: Microsatellite.
Coding change: c.44-7_44-5del on transcript NM_030943.4 (MANE Select); 7 bases into the intron before coding-DNA position 44 through 5 bases into the intron before coding-DNA position 44, 3 bases deleted (TCC; older notation c.44-7_44-5delTCC).
Molecular consequence: intron variant.
Genome position (GRCh38, 1-based): chr14:102,923,704-102,923,706, TCC deleted; deleting any 3 consecutive bases within chr14:102,923,699-102,923,706 gives the same sequence; the c. name uses the placement nearest the transcript's 3' end. VCF-style (leftmost placement, unchanged base first): chr14-102923698-GCCT-G. GRCh37 (hg19) VCF-style: chr14-103390035-GCCT-G.
Identifiers: ClinVar variation 1471222 (VCV001471222.4), dbSNP rs774101952, ClinGen allele CA7359714.